The following is an entry in ClinVar:

ClinVar aggregate classification (germline): Conflicting classifications of pathogenicity. Review status: criteria provided, conflicting classifications (1 of 4 stars). 22 submissions from 22 submitters: Uncertain significance (8); Benign (3); Likely benign (9). 2 of the submissions do not count toward it. Last evaluated 2026-09-01.

Conditions:
POLG-related disorder. Also called: POLG-related condition; POLG-Related Disorders; POLG-Related Spectrum Disorders. Identifiers: MedGen C4763519.
Charcot-Marie-Tooth disease axonal type 2U. Also called: CHARCOT-MARIE-TOOTH NEUROPATHY, TYPE 2U; CHARCOT-MARIE-TOOTH DISEASE, AXONAL, AUTOSOMAL DOMINANT, TYPE 2U. Identifiers: Orphanet 397735, MedGen C4084821, MONDO:0014566, OMIM 616280.
Inborn genetic diseases. Identifiers: MedGen C0950123, MeSH D030342.
Progressive sclerosing poliodystrophy (MTDPS4A). Also called: Alpers-Huttenlocher Syndrome (AHS); NEURONAL DEGENERATION OF CHILDHOOD WITH LIVER DISEASE, PROGRESSIVE; ALPERS DIFFUSE DEGENERATION OF CEREBRAL GRAY MATTER WITH HEPATIC CIRRHOSIS; Alpers-Huttenlocher Syndrome; ALPERS PROGRESSIVE INFANTILE POLIODYSTROPHY; Alpers Syndrome. Identifiers: Orphanet 726, MedGen C0205710, MONDO:0008758, OMIM 203700.
Sensory ataxic neuropathy, dysarthria, and ophthalmoparesis (SANDO). Also called: Sensory ataxic neuropathy-dysarthria-ophthalmoparesis syndrome; Epilepsy, progressive myoclonic, type 5; SENSORY ATAXIC NEUROPATHY WITH MITOCHONDRIAL DNA DELETIONS, AUTOSOMAL RECESSIVE; Ataxia Neuropathy Spectrum (ANS). Identifiers: Orphanet 70595, MedGen C1843851, MONDO:0011835, OMIM 607459.
Progressive external ophthalmoplegia with mitochondrial DNA deletions, autosomal dominant 1 (PEOA1). Also called: Autosomal Dominant Progressive External Ophthalmoplegia (adPEO); PROGRESSIVE EXTERNAL OPHTHALMOPLEGIA, AUTOSOMAL DOMINANT 1. Identifiers: MedGen C1834846, MONDO:0024528, OMIM 157640.
Progressive external ophthalmoplegia with mitochondrial DNA deletions, autosomal recessive 1 (PEOB1). Also called: Autosomal Recessive Progressive External Ophthalmoplegia (arPEO); Progressive external ophthalmoplegia, autosomal recessive 1. Identifiers: Orphanet 254886, MedGen C4225153, MONDO:0009783, OMIM 258450.
Mitochondrial DNA depletion syndrome 4b. Also called: Mitochondrial Neurogastrointestinal Encephalopathy Disease, POLG-Related; MNGIE, POLG-RELATED. Identifiers: Orphanet 298, MedGen C3150914, MONDO:0013350, OMIM 613662.
Hereditary spastic paraplegia. Also called: Familial spastic paraparesis. Identifiers: Orphanet 685, MedGen C0037773, MONDO:0019064. Disease mechanism: loss of function.
Tip-toe gait. Also called: Toe walking. Identifiers: MedGen C0427144, HP:0030051.

Allele frequency attached by ClinVar (database versions not stated): 1000 Genomes Project 30x 0.00250; 1000 Genomes Project 0.00280; gnomAD 0.00342 and 0.00364; gnomAD exomes 0.00344 and 0.00401; ExAC 0.00348; TOPMed 0.00369; ESP Exome Variant Server 0.00385.

Submissions 1 to 10 of 22:

CeGaT Center for Human Genetics Tuebingen
Classification: Likely benign. Last evaluated: 2026-09-01. Review status: criteria provided, single submitter. Criteria: CeGaT Center For Human Genetics Tuebingen Variant Classification Criteria Version 2. Collection method: clinical testing. Allele origin: germline. Affected: yes. Observed: 85 variant alleles.
Comment: POLG: BS2

Women's Health and Genetics/Laboratory Corporation of America, LabCorp
Classification: Likely benign. Last evaluated: 2026-03-23. Review status: criteria provided, single submitter. Criteria: LabCorp Variant Classification Summary - May 2015. Collection method: clinical testing. Allele origin: germline.
Comment: Variant summary: POLG c.803G>C (p.Gly268Ala) results in a non-conservative amino acid change located in the DNA mitochondrial polymerase, exonuclease domain of the encoded protein sequence. Algorithms developed to predict the effect of missense changes on protein structure and function all suggest that this variant is likely to be disruptive. The variant allele was found at a frequency of 0.0034 in 251312 control chromosomes, predominantly at a frequency of 0.005 within the Latino subpopulation in the gnomAD database, including 1 homozygotes. The observed variant frequency within Latino control individuals in the gnomAD database exceeds the estimated maximal expected allele frequency for disease-causing variants in POLG. c.803G>C has been observed in individuals affected with progressive external ophthalmoplegia in the homozygous state (DiFonzo_POLG_HM_2003, DelBo_2003) and in patients suggestive of POLG deficiency (Tang_2015) as well as unspecified mitochondrial disorders (Cruz_2017). These reports do not provide unequivocal conclusions about association of the variant with Mitochondrial DNA Depletion Syndrome - POLG Related. Experimental evidence involving the variant has been conflicting, with some yeast and cell transfection studies showing a damaging effect while other studies in human cells showed remaining functional activity (Baruffini_2006, Kasahara_2016, Baruffini_2015). The following publications have been ascertained in the context of this evaluation (PMID: 14635118, 16940310, 27987238, 21880868, 28128857, 25462018). ClinVar contains an entry for this variant (Variation ID: 196354). Based on the evidence outlined above, the variant was classified as likely benign.

Labcorp Genetics (formerly Invitae), Labcorp
Classification: Benign for Progressive sclerosing poliodystrophy. Last evaluated: 2026-02-03. Review status: criteria provided, single submitter. Criteria: Invitae Variant Classification Sherloc (09022015). Collection method: clinical testing. Allele origin: germline.

Dasa
Classification: Benign. Last evaluated: 2025-11-08. Review status: criteria provided, single submitter. Criteria: DASA Assertion Criteria. Collection method: clinical testing. Allele origin: germline.
Comment: NM_002693.3(POLG):c.803G>C (p.Gly268Ala) is a missense variant that results in the substitution of glycine with alanine. Population frequency is inconsistent with a disease-causing role for this variant. Therefore, based on the currently available evidence, this variant is classified as benign.

Mayo Clinic Laboratories, Mayo Clinic
Classification: Likely benign. Last evaluated: 2025-10-07. Review status: criteria provided, single submitter. Criteria: ACMG Guidelines, 2015. Collection method: clinical testing. Allele origin: germline. Observed: 37 variant alleles.
Comment: BS1, BS2, PP3_strong

Athena Diagnostics
Classification: Likely benign. Last evaluated: 2025-03-13. Review status: criteria provided, single submitter. Criteria: Athena Diagnostics Criteria. Collection method: clinical testing. Allele origin: unknown.
Comment: The frequency of this variant in the general population is higher than would generally be expected for pathogenic variants in this gene. Assessment of experimental evidence regarding the effect of this variant on protein function is inconclusive.

Blueprint Genetics
Classification: Likely benign. Last evaluated: 2024-11-19. Review status: criteria provided, single submitter. Criteria: ACMG Guidelines, 2015. Collection method: clinical testing. Allele origin: germline.

ARUP Laboratories, Molecular Genetics and Genomics, ARUP Laboratories
Classification: Uncertain significance. Last evaluated: 2024-06-06. Review status: criteria provided, single submitter. Criteria: ARUP Molecular Germline Variant Investigation Process 2024. Collection method: clinical testing. Allele origin: germline.
Comment: The POLG c.803G>C; p.Gly268Ala variant (rs61752784, ClinVar Variation ID: 196354) is reported in the literature in multiple individuals affected with PEO or other POLG-associated conditions (Di Fonzo 2003, Del Bo 2003, Gonzalez-Vioque 2006, Calejo 2018, Tang 2011, Hegarty 2021, Bar 2023). However, in many cases, an additional variant in POLG could not be identified, or other genetic findings could not be ruled out to contribute to the clinical presentation. This variant is found in the general population with an overall allele frequency of 0.34% (959/282684 alleles, including 4 homozygotes) in the Genome Aggregation Database (v2.1.1). Computational analyses predict that this variant is deleterious (REVEL: 0.967), though functional analyses indicate conflicting and mild reductions in protein function comparted to wild type POLG (Baruffini 2006 and Kasahara 2017). Due to conflicting information, the clinical significance of this variant is uncertain at this time. References: Bar O et al. Whole exome/genome sequencing in cyclic vomiting syndrome reveals multiple candidate genes, suggesting a model of elevated intracellular cations and mitochondrial dysfunction. Front Neurol. 2023 May 5;14:1151835. PMID: 37234784 Baruffini E et al. Genetic and chemical rescue of the Saccharomyces cerevisiae phenotype induced by mitochondrial DNA polymerase mutations associated with progressive external ophthalmoplegia in humans. Hum Mol Genet. 2006 Oct 1;15(19):2846-55. PMID: 16940310. Calejo M et al. Late-onset Levodopa Responsive Parkinsonism Due to Polymerase ? 1 Mutations. Mov Disord Clin Pract. 2018 Oct 17;5(6):645-648. PMID: 30637288 Del Bo R et al. Remarkable infidelity of polymerase gammaA associated with mutations in POLG1 exonuclease domain. Neurology. 2003 Oct 14;61(7):903-8. PMID: 14557557. Di Fonzo A et al. POLG mutations in sporadic mitochondrial disorders with multiple mtDNA deletions. Hum Mutat. 2003 Dec;22(6):498-9. PMID: 14635118. Gonzalez-Vioque E et al. Association of novel POLG mutations and multiple mitochondrial DNA deletions with variable clinical phenotypes in a Spanish population. Arch Neurol. 2006 Jan;63(1):107-11. PMID: 16401742. Hegarty R et al. Study of Acute Liver Failure in Children Using Next Generation Sequencing Technology. J Pediatr. 2021 Sep;236:124-130. PMID: 34023347. Kasahara T et al. Enrichment of deleterious variants of mitochondrial DNA polymerase gene (POLG1) in bipolar disorder. Psychiatry Clin Neurosci. 2017 Aug;71(8):518-529. PMID: 27987238. Tang S et al. Mitochondrial DNA polymerase gamma mutations: an ever expanding molecular and clinical spectrum. J Med Genet. 2011 Oct;48(10):669-81. PMID: 21880868.

MVZ Martinsried, Medicover Genetics
Classification: Uncertain significance for Charcot-Marie-Tooth disease axonal type 2U. Last evaluated: 2022-09-01. Review status: criteria provided, single submitter. Criteria: ACGS Guidelines, 2020. Collection method: clinical testing. Allele origin: unknown. Affected: yes.

Revvity Omics, Revvity
Classification: Uncertain significance. Last evaluated: 2022-06-03. Review status: criteria provided, single submitter. Criteria: ACMG Guidelines, 2015. Collection method: clinical testing. Allele origin: germline.

NM_002693.3(POLG):c.803G>C (p.Gly268Ala)

Gene: POLG (DNA polymerase gamma, catalytic subunit; minus strand). Cytogenetic location: 15q26.1.
Variant type: single nucleotide variant.
Coding change: c.803G>C on transcript NM_002693.3 (MANE Select); coding-DNA position 803, G replaced by C.
Protein change: p.Gly268Ala; replaces glycine 268 with alanine.
Molecular consequence: missense variant.
Genome position (GRCh38, 1-based): chr15:89,330,133, C>G on the plus strand (G>C on the coding strand, the complement: POLG is on the minus strand). VCF-style: chr15-89330133-C-G. GRCh37 (hg19) VCF-style: chr15-89873364-C-G.
Other names: p.G268A:GGG>GCG; c.803G>C, p.Gly268Ala (NM_001126131.2); short protein forms G268A.
Identifiers: ClinVar variation 196354 (VCV000196354.94), dbSNP rs61752784, ClinGen allele CA202319.
Genomic context (GRCh38, chr15:89,330,133, plus strand): 5'-AACCTTACCTGGATCAGGTACTGCTCCCTGATATGAGCTCGGTCAAAGGAAACATTGTGC[C>G]CCACCACTAACTGCTCCTGCCAGTCTCTCTGGGTGGGGCTGCTGGCACCAGTAGGGACCT-3'
Protein context (NP_002684.1, residues 258-278): QRDWQEQLVV[Gly268Ala]HNVSFDRAHI